The following is an entry in ClinVar:

NM_182931.3(KMT2E):c.5053G>T (p.Gly1685Cys)

Gene: KMT2E (lysine methyltransferase 2E (inactive); plus strand). Cytogenetic location: 7q22.3.
Variant type: single nucleotide variant.
Coding change: c.5053G>T on transcript NM_182931.3 (MANE Select); coding-DNA position 5053, G replaced by T.
Protein change: p.Gly1685Cys; replaces glycine 1685 with cysteine.
Molecular consequence: missense variant.
Genome position (GRCh38, 1-based): chr7:105,112,809, G>T. VCF-style: chr7-105112809-G-T. GRCh37 (hg19) VCF-style: chr7-104753256-G-T.
Other names: c.4927G>T, p.Gly1643Cys (NM_001410908.1); c.5053G>T, p.Gly1685Cys (NM_018682.4); short protein forms G1685C, G1643C.
Identifiers: ClinVar variation 4623151 (VCV004623151.1).
Genomic context (GRCh38, chr7:105,112,809, plus strand): 5'-GGGTCGCATATTCATTCTCAAACTGCTGGACACCACTTACCCCCACCCCCACCCCCTCCT[G>T]GTCCTGCCCCTCATCACCATCCACCACCCCATCCATCCACAGGACTCCAAGGTCTACAAG-3'
Protein context (NP_891847.1, residues 1675-1695): HHLPPPPPPP[Gly1685Cys]PAPHHHPPPH

ClinVar aggregate classification (germline): Uncertain significance (1 of 4 stars; one submission).

Conditions:
Inborn genetic diseases. Identifiers: MedGen C0950123, MeSH D030342.

Submission:

Ambry Genetics
Classification: Uncertain significance for Inborn genetic diseases. Last evaluated: 2025-09-28. Review status: criteria provided, single submitter. Criteria: Ambry Variant Classification Scheme 2023. Collection method: clinical testing. Allele origin: germline.
Comment: The c.5053G>T (p.G1685C) alteration is located in exon 27 (coding exon 25) of the KMT2E gene. This alteration results from a G to T substitution at nucleotide position 5053, causing the glycine (G) at amino acid position 1685 to be replaced by a cysteine (C). Based on data from gnomAD, the T allele has an overall frequency of <0.001% (0/192832) total alleles studied. The highest observed frequency was <0.001% (/) of alleles. Based on insufficient or conflicting evidence, the clinical significance of this alteration remains unclear.